The following is an entry in ClinVar:

ClinVar aggregate classification (germline): Uncertain significance (1 of 4 stars; one submission).

Conditions:
Niemann-Pick disease, type C1. Also called: NIEMANN-PICK DISEASE, VARIANT TYPE C1; NEUROVISCERAL STORAGE DISEASE WITH VERTICAL SUPRANUCLEAR OPHTHALMOPLEGIA; NIEMANN-PICK DISEASE WITH CHOLESTEROL ESTERIFICATION BLOCK; NIEMANN-PICK DISEASE WITHOUT SPHINGOMYELINASE DEFICIENCY; NIEMANN-PICK DISEASE, CHRONIC NEURONOPATHIC FORM. Identifiers: Orphanet 646, MedGen C3179455, MONDO:0009757, OMIM 257220.

Submission:

Labcorp Genetics (formerly Invitae), Labcorp
Classification: Uncertain significance for Niemann-Pick disease, type C1. Last evaluated: 2023-07-28. Review status: criteria provided, single submitter. Criteria: Invitae Variant Classification Sherloc (09022015). Collection method: clinical testing. Allele origin: germline.
Comment: In summary, the available evidence is currently insufficient to determine the role of this variant in disease. Therefore, it has been classified as a Variant of Uncertain Significance. Algorithms developed to predict the effect of sequence changes on RNA splicing suggest that this variant may create or strengthen a splice site. This sequence change replaces methionine, which is neutral and non-polar, with arginine, which is basic and polar, at codon 156 of the NPC1 protein (p.Met156Arg). This variant is not present in population databases (gnomAD no frequency). This variant has not been reported in the literature in individuals affected with NPC1-related conditions. Advanced modeling of protein sequence and biophysical properties (such as structural, functional, and spatial information, amino acid conservation, physicochemical variation, residue mobility, and thermodynamic stability) performed at Invitae indicates that this missense variant is expected to disrupt NPC1 protein function.

NM_000271.5(NPC1):c.467T>G (p.Met156Arg)

Gene: NPC1 (NPC intracellular cholesterol transporter 1; minus strand). Cytogenetic location: 18q11.2.
Variant type: single nucleotide variant.
Coding change: c.467T>G on transcript NM_000271.5 (MANE Select); coding-DNA position 467, T replaced by G.
Protein change: p.Met156Arg; replaces methionine 156 with arginine.
Molecular consequence: missense variant.
Genome position (GRCh38, 1-based): chr18:23,561,524, A>C on the plus strand (T>G on the coding strand, the complement: NPC1 is on the minus strand). VCF-style: chr18-23561524-A-C. GRCh37 (hg19) VCF-style: chr18-21141488-A-C.
Other names: short protein forms M156R.
Identifiers: ClinVar variation 2867088 (VCV002867088.3), dbSNP rs147615070, ClinGen allele CA401783087.
Genomic context (GRCh38, chr18:23,561,524, plus strand): 5'-AGGAGTCCCAGGGCCTTGTCATTACTTGAGGGGGCCTCCACATCCCGGCAGGCATTGTAC[A>C]TTGCTAGAAGAGGAAACCCAAAGGAAAAAGGAGACAAGATGCTTGCTGTAATTCACGAGG-3'
Protein context (NP_000262.2, residues 146-166): YYVGQSFANA[Met156Arg]YNACRDVEAP